The following is an entry in ClinVar:

ClinVar aggregate classification (germline): Uncertain significance (1 of 4 stars; one submission).

Conditions:
Idiopathic Pulmonary Fibrosis. Also called: Idiopathic fibrosing alveolitis, chronic form; idiopathic fibrosing alveolitis. Identifiers: Orphanet 2032, MedGen C1800706, MeSH D054990, MONDO:0800504.
Dyskeratosis congenita, autosomal dominant 2. Identifiers: MedGen C3151443, MONDO:0013521, OMIM 613989.

Submission:

Labcorp Genetics (formerly Invitae), Labcorp
Classification: Uncertain significance for Dyskeratosis congenita, autosomal dominant 2; Idiopathic Pulmonary Fibrosis. Last evaluated: 2022-09-03. Review status: criteria provided, single submitter. Criteria: Invitae Variant Classification Sherloc (09022015). Collection method: clinical testing. Allele origin: germline.
Comment: In summary, the available evidence is currently insufficient to determine the role of this variant in disease. Therefore, it has been classified as a Variant of Uncertain Significance. Algorithms developed to predict the effect of sequence changes on RNA splicing suggest that this variant may disrupt the consensus splice site. This variant has not been reported in the literature in individuals affected with TERT-related conditions. This variant is not present in population databases (gnomAD no frequency). This sequence change affects codon 822 of the TERT mRNA. It is a 'silent' change, meaning that it does not change the encoded amino acid sequence of the TERT protein.

NM_198253.3(TERT):c.2466C>T (p.Gly822=)

Gene: TERT (telomerase reverse transcriptase; minus strand). Cytogenetic location: 5p15.33.
Variant type: single nucleotide variant.
Coding change: c.2466C>T on transcript NM_198253.3 (MANE Select); coding-DNA position 2466, C replaced by T.
Protein change: p.Gly822=; no amino-acid change (glycine 822 retained).
Molecular consequence: synonymous variant.
Genome position (GRCh38, 1-based): chr5:1,271,121, G>A on the plus strand (C>T on the coding strand, the complement: TERT is on the minus strand). VCF-style: chr5-1271121-G-A. GRCh37 (hg19) VCF-style: chr5-1271236-G-A.
Other names: c.2466C>T, p.Gly822= (NM_001193376.3, NM_003219.1).
Identifiers: ClinVar variation 2139232 (VCV002139232.4), dbSNP rs2478199727, ClinGen allele CA443022210.